The following is an entry in ClinVar:

Conditions:
Breast-ovarian cancer, familial, susceptibility to, 1 (BROVCA1). Also called: BRCA1 Hereditary Breast and Ovarian Cancer; OVARIAN CANCER, SUSCEPTIBILITY TO. Identifiers: Orphanet 145, MedGen C2676676, MONDO:0011450, OMIM 604370. Disease mechanism: loss of function.

Submission:

Brotman Baty Institute, University of Washington
No classification provided (evidence only). Condition: Breast-ovarian cancer, familial 1. Review status: no classification provided. Collection method: in vitro. Allele origin: not applicable. Functional consequence: functionally_normal.
ClinVar note: "not provided" was previously submitted as the classification for the variant. However, the classification appeared to be based only on an observation of functional data so it was converted to no classification on 2025-07-30.

NM_007294.4(BRCA1):c.4937T>G (p.Val1646Gly)

Gene: BRCA1 (BRCA1 DNA repair associated; minus strand). Cytogenetic location: 17q21.31.
Variant type: single nucleotide variant.
Coding change: c.4937T>G on transcript NM_007294.4 (MANE Select); coding-DNA position 4937, T replaced by G.
Protein change: p.Val1646Gly; replaces valine 1646 with glycine.
Molecular consequence: missense variant. On other transcripts: non-coding transcript variant (1).
Genome position (GRCh38, 1-based): chr17:43,070,977, A>C on the plus strand (T>G on the coding strand, the complement: BRCA1 is on the minus strand). VCF-style: chr17-43070977-A-C. GRCh37 (hg19) VCF-style: chr17-41222994-A-C.
Other names: c.4724T>G, p.Val1575Gly (NM_001407571.1, NM_001407896.1, NM_001407897.1 and 12 more transcripts); c.5003T>G, p.Val1668Gly (NM_001407581.1, NM_001407582.1); c.5000T>G, p.Val1667Gly (NM_001407583.1, NM_001407585.1, NM_001407587.1 and 1 more transcripts); c.4997T>G, p.Val1666Gly (NM_001407590.1, NM_001407591.1); c.4937T>G, p.Val1646Gly (NM_001407593.1, NM_001407594.1, NM_001407596.1 and 8 more transcripts); c.4934T>G, p.Val1645Gly (NM_001407610.1, NM_001407611.1, NM_001407612.1 and 17 more transcripts); c.4931T>G, p.Val1644Gly (NM_001407627.1, NM_001407628.1, NM_001407629.1 and 14 more transcripts); c.4928T>G, p.Val1643Gly (NM_001407645.1, NM_001407644.1); and 70 more; short protein forms V542G, V1667G, V1646G, V1599G, V1350G, V1518G, V1534G, V1556G.
Identifiers: ClinVar variation 865434 (VCV000865434.3), dbSNP rs28897694, ClinGen allele CA10591649.